The following is an entry in ClinVar:

ClinVar aggregate classification (germline): Pathogenic (1 of 4 stars; one submission).

Submission:

Labcorp Genetics (formerly Invitae), Labcorp
Classification: Pathogenic. Last evaluated: 2024-11-18. Review status: criteria provided, single submitter. Criteria: Invitae Variant Classification Sherloc (09022015). Collection method: clinical testing. Allele origin: germline.
Comment: This sequence change creates a premature translational stop signal (p.Val2103Leufs*2) in the ASPM gene. It is expected to result in an absent or disrupted protein product. Loss-of-function variants in ASPM are known to be pathogenic (PMID: 19028728, 23611254). This variant is not present in population databases (gnomAD no frequency). This variant has not been reported in the literature in individuals affected with ASPM-related conditions. ClinVar contains an entry for this variant (Variation ID: 1453107). For these reasons, this variant has been classified as Pathogenic.

Literature cited by the submitters: PubMed 19028728; PubMed 23611254.

NM_018136.5(ASPM):c.6307_6308del (p.Val2103fs)

Gene: ASPM (assembly factor for spindle microtubules; minus strand). Cytogenetic location: 1q31.3.
Variant type: Deletion.
Coding change: c.6307_6308del on transcript NM_018136.5 (MANE Select); coding-DNA positions 6307 to 6308, 2 bases deleted (GT; older notation c.6307_6308delGT).
Protein change: p.Val2103fs; shifts the reading frame from valine 2103.
Molecular consequence: frameshift variant. On other transcripts: intron variant (1).
Genome position (GRCh38, 1-based): chr1:197,102,943-197,102,944, AC deleted on the plus strand (GT on the coding strand, the reverse complement: ASPM is on the minus strand); deleting any 2 consecutive bases within chr1:197,102,943-197,102,945 gives the same sequence; the c. name uses the placement nearest the transcript's 3' end. VCF-style (leftmost placement, unchanged base first): chr1-197102942-AAC-A. GRCh37 (hg19) VCF-style: chr1-197072072-AAC-A.
Other names: c.4066-6780_4066-6779del (NM_001206846.2); short protein forms V2103fs.
Identifiers: ClinVar variation 1453107 (VCV001453107.6), dbSNP rs1657248003, ClinGen allele CA1217930482.